The following is an entry in ClinVar:

NM_001287491.2(TET3):c.4117C>G (p.Pro1373Ala)

Gene: TET3 (tet methylcytosine dioxygenase 3; plus strand). Cytogenetic location: 2p13.1.
Variant type: single nucleotide variant.
Coding change: c.4117C>G on transcript NM_001287491.2 (MANE Select); coding-DNA position 4117, C replaced by G.
Protein change: p.Pro1373Ala; replaces proline 1373 with alanine.
Molecular consequence: missense variant.
Genome position (GRCh38, 1-based): chr2:74,100,905, C>G. VCF-style: chr2-74100905-C-G. GRCh37 (hg19) VCF-style: chr2-74328032-C-G.
Other names: c.3838C>G, p.Pro1280Ala (NM_001366022.1); c.3712C>G, p.Pro1238Ala (NM_144993.1); short protein forms P1238A, P1280A, P1373A.
Identifiers: ClinVar variation 2578859 (VCV002578859.25), dbSNP rs1212766221, ClinGen allele CA347318796.

ClinVar aggregate classification (germline): Uncertain significance (1 of 4 stars; one submission).

Allele frequency attached by ClinVar (database versions not stated): gnomAD exomes below 0.00001.
gnomAD v4.1: 2 of 1,610,352 alleles (0.00012%); highest among the groups gnomAD compares: Non-Finnish European, 0.00017%; no homozygotes.

Submission:

CeGaT Center for Human Genetics Tuebingen
Classification: Uncertain significance. Last evaluated: 2023-07-01. Review status: criteria provided, single submitter. Criteria: CeGaT Center For Human Genetics Tuebingen Variant Classification Criteria Version 2. Collection method: clinical testing. Allele origin: germline. Affected: yes. Observed: 1 variant allele.
Comment: TET3: PM2, BP4